The following is an entry in ClinVar:

NM_003900.5(SQSTM1):c.1049C>G (p.Thr350Arg)

Gene: SQSTM1 (sequestosome 1; plus strand). Cytogenetic location: 5q35.3.
Variant type: single nucleotide variant.
Coding change: c.1049C>G on transcript NM_003900.5 (MANE Select); coding-DNA position 1049, C replaced by G.
Protein change: p.Thr350Arg; replaces threonine 350 with arginine.
Molecular consequence: missense variant.
Genome position (GRCh38, 1-based): chr5:179,833,666, C>G. VCF-style: chr5-179833666-C-G. GRCh37 (hg19) VCF-style: chr5-179260666-C-G.
Other names: c.797C>G, p.Thr266Arg (NM_001142298.2, NM_001142299.2); short protein forms T350R, T266R.
Identifiers: ClinVar variation 2930664 (VCV002930664.3), dbSNP rs2480247827, ClinGen allele CA362452618.

ClinVar aggregate classification (germline): Uncertain significance (1 of 4 stars; one submission).

Conditions:
Paget disease of bone 2, early-onset (PDB2). Also called: Paget disease of bone 2. Identifiers: MedGen C4085251, MONDO:0011183, OMIM 602080.
Frontotemporal dementia and/or amyotrophic lateral sclerosis 1 (FTDALS1). Also called: Frontotemporal dementia with motor neuron disease 1; C9orf72 Frontotemporal Dementia and/or Amyotrophic Lateral Sclerosis. Identifiers: Orphanet 275872, MedGen C5779877, MONDO:0007105, OMIM 105550.

Allele frequency attached by ClinVar (database versions not stated): gnomAD exomes below 0.00001.
gnomAD v4.1: 1 of 1,614,168 alleles (0.000062%); highest among the groups gnomAD compares: Middle Eastern, 0.016%; no homozygotes.

Submission:

Labcorp Genetics (formerly Invitae), Labcorp
Classification: Uncertain significance for Paget disease of bone 2, early-onset; Frontotemporal dementia and/or amyotrophic lateral sclerosis 1. Last evaluated: 2023-08-04. Review status: criteria provided, single submitter. Criteria: Invitae Variant Classification Sherloc (09022015). Collection method: clinical testing. Allele origin: germline.
Comment: This variant has not been reported in the literature in individuals affected with SQSTM1-related conditions. This variant is not present in population databases (gnomAD no frequency). This sequence change replaces threonine, which is neutral and polar, with arginine, which is basic and polar, at codon 350 of the SQSTM1 protein (p.Thr350Arg). Advanced modeling of protein sequence and biophysical properties (such as structural, functional, and spatial information, amino acid conservation, physicochemical variation, residue mobility, and thermodynamic stability) performed at Invitae indicates that this missense variant is not expected to disrupt SQSTM1 protein function. In summary, the available evidence is currently insufficient to determine the role of this variant in disease. Therefore, it has been classified as a Variant of Uncertain Significance.